The following is an entry in ClinVar:

NM_001792.5(CDH2):c.23T>C (p.Leu8Pro)

Gene: CDH2 (cadherin 2; minus strand). Cytogenetic location: 18q12.1.
Variant type: single nucleotide variant.
Coding change: c.23T>C on transcript NM_001792.5 (MANE Select); coding-DNA position 23, T replaced by C.
Protein change: p.Leu8Pro; replaces leucine 8 with proline.
Molecular consequence: missense variant.
Genome position (GRCh38, 1-based): chr18:28,177,000, A>G on the plus strand (T>C on the coding strand, the complement: CDH2 is on the minus strand). VCF-style: chr18-28177000-A-G. GRCh37 (hg19) VCF-style: chr18-25756964-A-G.
Other names: short protein forms L8P.
Identifiers: ClinVar variation 1790721 (VCV001790721.4), dbSNP rs1293733346, ClinGen allele CA402245119.

ClinVar aggregate classification (germline): Conflicting classifications of pathogenicity. Review status: criteria provided, conflicting classifications (1 of 4 stars). 2 submissions from 2 submitters: Uncertain significance (1); Likely benign (1). Last evaluated 2025-01-11.

Conditions:
Inborn genetic diseases. Identifiers: MedGen C0950123, MeSH D030342.

Submissions (2):

Labcorp Genetics (formerly Invitae), Labcorp
Classification: Uncertain significance. Last evaluated: 2025-01-11. Review status: criteria provided, single submitter. Criteria: Invitae Variant Classification Sherloc (09022015). Collection method: clinical testing. Allele origin: germline.
Comment: This sequence change replaces leucine, which is neutral and non-polar, with proline, which is neutral and non-polar, at codon 8 of the CDH2 protein (p.Leu8Pro). This variant is present in population databases (no rsID available, gnomAD 0.02%). This variant has not been reported in the literature in individuals affected with CDH2-related conditions. ClinVar contains an entry for this variant (Variation ID: 1790721). An algorithm developed to predict the effect of missense changes on protein structure and function outputs the following: PolyPhen-2: "Benign". The proline amino acid residue is found in multiple mammalian species, which suggests that this missense change does not adversely affect protein function. In summary, the available evidence is currently insufficient to determine the role of this variant in disease. Therefore, it has been classified as a Variant of Uncertain Significance.

Ambry Genetics
Classification: Likely benign for Inborn genetic diseases. Last evaluated: 2021-11-14. Review status: criteria provided, single submitter. Criteria: Ambry Variant Classification Scheme 2023. Collection method: clinical testing. Allele origin: germline.